The following is an entry in ClinVar:

NM_000553.6(WRN):c.1256A>G (p.Tyr419Cys)

Gene: WRN (WRN RecQ like helicase; plus strand). Cytogenetic location: 8p12.
Variant type: single nucleotide variant.
Coding change: c.1256A>G on transcript NM_000553.6 (MANE Select); coding-DNA position 1256, A replaced by G.
Protein change: p.Tyr419Cys; replaces tyrosine 419 with cysteine.
Molecular consequence: missense variant.
Genome position (GRCh38, 1-based): chr8:31,081,283, A>G. VCF-style: chr8-31081283-A-G. GRCh37 (hg19) VCF-style: chr8-30938799-A-G.
Other names: short protein forms Y419C.
Identifiers: ClinVar variation 403987 (VCV000403987.4), dbSNP rs776098344, ClinGen allele CA16612423.
Genomic context (GRCh38, chr8:31,081,283, plus strand): 5'-AACATGAACTCCAAATTTTGGAACAGCAGTCTCAGGAAGAATATCTTAGTGATATTGCTT[A>G]TAAATCTACTGAGGTACTAAATAAAGAGGAAGCACATTTTTAGTTATTAGTAGGTTCTGG-3'
Protein context (NP_000544.2, residues 409-429): SQEEYLSDIA[Tyr419Cys]KSTEHLSPND

ClinVar aggregate classification (germline): Uncertain significance (1 of 4 stars; one submission).

Conditions:
Werner syndrome (WRN). Identifiers: Orphanet 902, MedGen C0043119, MONDO:0010196, OMIM 277700.

Allele frequency attached by ClinVar (database versions not stated): gnomAD exomes below 0.00001.
gnomAD v4.1: 2 of 1,613,504 alleles (0.00012%); highest among the groups gnomAD compares: Admixed American, 0.0017%; no homozygotes.

Submission:

Labcorp Genetics (formerly Invitae), Labcorp
Classification: Uncertain significance for Werner syndrome. Last evaluated: 2023-09-28. Review status: criteria provided, single submitter. Criteria: Invitae Variant Classification Sherloc (09022015). Collection method: clinical testing. Allele origin: germline.
Comment: This sequence change replaces tyrosine, which is neutral and polar, with cysteine, which is neutral and slightly polar, at codon 419 of the WRN protein (p.Tyr419Cys). In summary, the available evidence is currently insufficient to determine the role of this variant in disease. Therefore, it has been classified as a Variant of Uncertain Significance. Algorithms developed to predict the effect of missense changes on protein structure and function output the following: SIFT: "Not Available"; PolyPhen-2: "Benign"; Align-GVGD: "Not Available". The cysteine amino acid residue is found in multiple mammalian species, which suggests that this missense change does not adversely affect protein function. ClinVar contains an entry for this variant (Variation ID: 403987). This variant has not been reported in the literature in individuals affected with WRN-related conditions. This variant is present in population databases (no rsID available, gnomAD 0.003%).